The following is an entry in ClinVar:

ClinVar aggregate classification (germline): Likely pathogenic (1 of 4 stars; one submission).

Submission:

Labcorp Genetics (formerly Invitae), Labcorp
Classification: Likely pathogenic. Last evaluated: 2024-01-11. Review status: criteria provided, single submitter. Criteria: Invitae Variant Classification Sherloc (09022015). Collection method: clinical testing. Allele origin: germline.
Comment: This sequence change replaces serine, which is neutral and polar, with proline, which is neutral and non-polar, at codon 16 of the BEST1 protein (p.Ser16Pro). This variant is not present in population databases (gnomAD no frequency). This variant has not been reported in the literature in individuals affected with BEST1-related conditions. Advanced modeling of protein sequence and biophysical properties (such as structural, functional, and spatial information, amino acid conservation, physicochemical variation, residue mobility, and thermodynamic stability) performed at Invitae indicates that this missense variant is expected to disrupt BEST1 protein function with a positive predictive value of 95%. This variant disrupts the p.Ser16 amino acid residue in BEST1. Other variant(s) that disrupt this residue have been determined to be pathogenic (PMID: 11241846, 27078032, 28687848). This suggests that this residue is clinically significant, and that variants that disrupt this residue are likely to be disease-causing. In summary, the currently available evidence indicates that the variant is pathogenic, but additional data are needed to prove that conclusively. Therefore, this variant has been classified as Likely Pathogenic.

Literature cited by the submitters: PubMed 11241846; PubMed 27078032; PubMed 28687848.

NM_004183.4(BEST1):c.46T>C (p.Ser16Pro)

Gene: BEST1 (bestrophin 1; plus strand). Cytogenetic location: 11q12.3.
Variant type: single nucleotide variant.
Coding change: c.46T>C on transcript NM_004183.4 (MANE Select); coding-DNA position 46, T replaced by C.
Protein change: p.Ser16Pro; replaces serine 16 with proline.
Molecular consequence: missense variant. On other transcripts: non-coding transcript variant (1), intron variant (6).
Genome position (GRCh38, 1-based): chr11:61,951,852, T>C. VCF-style: chr11-61951852-T-C. GRCh37 (hg19) VCF-style: chr11-61719324-T-C.
Other names: c.46T>C, p.Ser16Pro (NM_001363592.2, NM_001440571.1, NM_001440572.1 and 1 more transcripts); c.-29+1425T>C (NM_001139443.3, NM_001300787.2, NM_001440574.1 and 3 more transcripts); short protein forms S16P.
Identifiers: ClinVar variation 2708784 (VCV002708784.3), dbSNP rs2541332053, ClinGen allele CA380831301.
Genomic context (GRCh38, chr11:61,951,852, plus strand): 5'-GCCCACTGCCTGGCCATGACCATCACTTACACAAGCCAAGTGGCTAATGCCCGCTTAGGC[T>C]CCTTCTCCCGCCTGCTGCTGTGCTGGCGGGGCAGCATCTACAAGCTGCTATATGGCGAGT-3'
Protein context (NP_004174.1, residues 6-26): TSQVANARLG[Ser16Pro]FSRLLLCWRG